The following is an entry in ClinVar:

NM_022474.4(PALS1):c.137G>T (p.Arg46Met)

Genes: GPHN (gephyrin; plus strand), PALS1 (protein associated with LIN7 1, MAGUK p55 family member; plus strand). Cytogenetic location: 14q23.3.
Variant type: single nucleotide variant.
Coding change: c.137G>T on transcript NM_022474.4 (MANE Select); coding-DNA position 137, G replaced by T.
Protein change: p.Arg46Met; replaces arginine 46 with methionine.
Molecular consequence: missense variant.
Genome position (GRCh38, 1-based): chr14:67,279,307, G>T. VCF-style: chr14-67279307-G-T. GRCh37 (hg19) VCF-style: chr14-67746024-G-T.
Other names: c.35G>T, p.Arg12Met (NM_001256550.2); short protein forms R12M, R46M.
Identifiers: ClinVar variation 2637035 (VCV002637035.2), dbSNP rs2544888109, ClinGen allele CA390123460.

ClinVar aggregate classification (germline): Uncertain significance (1 of 4 stars; one submission).

Conditions:
PALS1-related disorder. Also called: PALS1-related condition.

Submission:

PreventionGenetics, part of Exact Sciences
Classification: Uncertain significance for PALS1-related condition. Last evaluated: 2024-11-26. Review status: criteria provided, single submitter. Criteria: ACMG Guidelines, 2015. Collection method: clinical testing. Allele origin: germline.
Comment: The PALS1 c.137G>T variant is predicted to result in the amino acid substitution p.Arg46Met. To our knowledge, this variant has not been reported in the literature or in a large population database (gnomAD), indicating this variant is rare. At this time, the clinical significance of this variant is uncertain due to the absence of conclusive functional and genetic evidence.